The following is an entry in ClinVar:

ClinVar aggregate classification (germline): Uncertain significance. Review status: criteria provided, multiple submitters, no conflicts (2 of 4 stars). 2 submissions from 2 submitters: Uncertain significance (2). Last evaluated 2024-04-15.

Conditions:
Epidermolysis bullosa simplex 3, localized or generalized intermediate, with BP230 deficiency (EBS3). Also called: Epidermolysis bullosa simplex due to BP230 deficiency; Epidermolysis bullosa simplex, autosomal recessive 2. Identifiers: Orphanet 412181, MedGen C3809470, MONDO:0014180, OMIM 615425.
Hereditary sensory and autonomic neuropathy type 6. Also called: Neuropathy, hereditary sensory and autonomic, type VI; HSAN VI. Identifiers: Orphanet 314381, MedGen C3539003, MONDO:0013839, OMIM 614653.
Inborn genetic diseases. Identifiers: MedGen C0950123, MeSH D030342.

Allele frequency attached by ClinVar (database versions not stated): gnomAD exomes 0.00001 and 0.00002; TOPMed 0.00001; ExAC 0.00002.
gnomAD v4.1: 24 of 1,613,786 alleles (0.0015%); highest among the groups gnomAD compares: Non-Finnish European, 0.0018%; no homozygotes.

Submissions (2):

Labcorp Genetics (formerly Invitae), Labcorp
Classification: Uncertain significance for Epidermolysis bullosa simplex 3, localized or generalized intermediate, with BP230 deficiency; Hereditary sensory and autonomic neuropathy type 6. Last evaluated: 2024-04-15. Review status: criteria provided, single submitter. Criteria: Invitae Variant Classification Sherloc (09022015). Collection method: clinical testing. Allele origin: germline.
Comment: This sequence change replaces arginine, which is basic and polar, with tryptophan, which is neutral and slightly polar, at codon 504 of the DST protein (p.Arg504Trp). This variant is present in population databases (rs770477088, gnomAD 0.002%). This variant has not been reported in the literature in individuals affected with DST-related conditions. ClinVar contains an entry for this variant (Variation ID: 952027). An algorithm developed to predict the effect of missense changes on protein structure and function (PolyPhen-2) suggests that this variant is likely to be disruptive. In summary, the available evidence is currently insufficient to determine the role of this variant in disease. Therefore, it has been classified as a Variant of Uncertain Significance.

Ambry Genetics
Classification: Uncertain significance for Inborn genetic diseases. Last evaluated: 2023-01-09. Review status: criteria provided, single submitter. Criteria: Ambry Variant Classification Scheme 2023. Collection method: clinical testing. Allele origin: germline.

NM_001374736.1(DST):c.3121C>T (p.Arg1041Trp)

Gene: DST (dystonin; minus strand). Cytogenetic location: 6p12.1.
Variant type: single nucleotide variant.
Coding change: c.3121C>T on transcript NM_001374736.1 (MANE Select); coding-DNA position 3121, C replaced by T.
Protein change: p.Arg1041Trp; replaces arginine 1041 with tryptophan.
Molecular consequence: missense variant.
Genome position (GRCh38, 1-based): chr6:56,635,654, G>A on the plus strand (C>T on the coding strand, the complement: DST is on the minus strand). VCF-style: chr6-56635654-G-A. GRCh37 (hg19) VCF-style: chr6-56500452-G-A.
Other names: c.3022C>T, p.Arg1008Trp (NM_001144769.5); c.2608C>T, p.Arg870Trp (NM_001144770.2); c.3121C>T, p.Arg1041Trp (NM_001374722.1); c.2488C>T, p.Arg830Trp (NM_001374729.1, NM_001374730.1, NM_001386100.1 and 1 more transcripts); c.3148C>T, p.Arg1050Trp (NM_001374734.1); c.1510C>T, p.Arg504Trp (NM_001723.7, NM_015548.5); c.3022C>T (NM_001144769.2); short protein forms R830W, R1008W, R1041W, R1050W, R870W, R504W.
Identifiers: ClinVar variation 952027 (VCV000952027.9), dbSNP rs770477088, ClinGen allele CA3871230.